The following is an entry in ClinVar:

NM_030962.4(SBF2):c.5112A>G (p.Leu1704=)

Genes: SBF2 (SET binding factor 2; minus strand), SBF2-AS1 (SBF2 antisense RNA 1; plus strand), LOC105369149 (uncharacterized LOC105369149; plus strand). Cytogenetic location: 11p15.4.
Variant type: single nucleotide variant.
Coding change: c.5112A>G on transcript NM_030962.4 (MANE Select); coding-DNA position 5112, A replaced by G.
Protein change: p.Leu1704=; no amino-acid change (leucine 1704 retained).
Molecular consequence: synonymous variant.
Genome position (GRCh38, 1-based): chr11:9,785,244, T>C on the plus strand (A>G on the coding strand, the complement: SBF2 is on the minus strand). VCF-style: chr11-9785244-T-C. GRCh37 (hg19) VCF-style: chr11-9806791-T-C.
Other names: c.5208A>G, p.Leu1736= (NM_001386339.1); c.4983A>G, p.Leu1661= (NM_001386342.1).
Identifiers: ClinVar variation 543458 (VCV000543458.12), dbSNP rs370420894, ClinGen allele CA5880785.
Genomic context (GRCh38, chr11:9,785,244, plus strand): 5'-TCCATTGGATGGGGAGATGCTGGAATTCTGTTCCTCCCCCATGCTGCTGTCTGGGAGATG[T>C]AGCAGAGACCTCTTCTGATAGGAAGGTAGGTTGGTAGACACAATTCCTGGGGATCTCGAC-3'
Protein context (NP_112224.1, residues 1694-1714): NLPSYQKRSL[Leu1704=]HLPDSSMGEE

ClinVar aggregate classification (germline): Likely benign. Review status: criteria provided, multiple submitters, no conflicts (2 of 4 stars). 3 submissions from 3 submitters: Likely benign (3). Last evaluated 2025-12-20.

Conditions:
Charcot-Marie-Tooth disease type 4. Also called: Charcot-Marie-Tooth disease, type IV; Charcot-Marie-Tooth, Type 4. Identifiers: Orphanet 64749, MedGen C4082197, MONDO:0018995.
SBF2-related disorder. Also called: SBF2-related condition.
Inborn genetic diseases. Identifiers: MedGen C0950123, MeSH D030342.

Allele frequency attached by ClinVar (database versions not stated): gnomAD exomes below 0.00001 and 0.00002; ExAC 0.00001; TOPMed 0.00003.
gnomAD v4.1: 22 of 1,613,962 alleles (0.0014%); highest among the groups gnomAD compares: East Asian, 0.018%; no homozygotes.

Submissions (3):

Labcorp Genetics (formerly Invitae), Labcorp
Classification: Likely benign for Charcot-Marie-Tooth disease type 4. Last evaluated: 2025-12-20. Review status: criteria provided, single submitter. Criteria: Invitae Variant Classification Sherloc (09022015). Collection method: clinical testing. Allele origin: germline.

PreventionGenetics, part of Exact Sciences
Classification: Likely benign for SBF2-related condition. Last evaluated: 2025-05-14. Review status: criteria provided, single submitter. Criteria: ACMG Guidelines, 2015. Collection method: clinical testing. Allele origin: germline.
Comment: This variant is classified as likely benign based on ACMG/AMP sequence variant interpretation guidelines (Richards et al. 2015 PMID: 25741868, with internal and published modifications).

Ambry Genetics
Classification: Likely benign for Inborn genetic diseases. Last evaluated: 2019-07-11. Review status: criteria provided, single submitter. Criteria: Ambry Variant Classification Scheme 2023. Collection method: clinical testing. Allele origin: germline.